The following is an entry in ClinVar:

NM_138713.4(NFAT5):c.3804GCA[9] (p.Gln1284_Ser1285insGlnGlnGlnGln)

Gene: NFAT5 (nuclear factor of activated T cells 5; plus strand). Cytogenetic location: 16q22.1.
Variant type: Microsatellite.
Coding change: c.3804GCA[9] on transcript NM_138713.4 (MANE Select); nine copies in a row of the 3-base unit GCA starting at c.3804; the reference has five copies in a row; four copies, 12 bases duplicated.
Protein change: p.Gln1284_Ser1285insGlnGlnGlnGln.
Genome position (GRCh38, 1-based): chr16:69,693,632-69,693,643, GCAGCAGCAGCA duplicated; duplicating any 12 consecutive bases within chr16:69,693,627-69,693,643 gives the same sequence; the position shown is the placement nearest the transcript's 3' end. VCF-style (leftmost placement, unchanged base first): chr16-69693626-A-ACAGCAGCAGCAG. GRCh37 (hg19) VCF-style: chr16-69727529-A-ACAGCAGCAGCAG.
Other names: c.3801GCA[9], p.Gln1283_Ser1284insGlnGlnGlnGln (NM_001113178.3); c.3129GCA[9], p.Gln1059_Ser1060insGlnGlnGlnGln (NM_001367709.1); c.3750GCA[9], p.Gln1266_Ser1267insGlnGlnGlnGln (NM_006599.4); c.3522GCA[9], p.Gln1190_Ser1191insGlnGlnGlnGln (NM_138714.4, NM_173214.3, NM_173215.3).
Identifiers: ClinVar variation 3666508 (VCV003666508.2).
Genomic context (GRCh38, chr16:69,693,626, plus strand): 5'-AACCATGTTCCAGTCACAGCACTCAATAGTTGCCATGCAGAGTAACTCTCCATCCCAGGA[A>ACAGCAGCAGCAG]CAGCAGCAGCAGCAGCAACAGCAGCAGCAACAGCAGCAGCAACAACAACAGAGCATTTTA-3'

ClinVar aggregate classification (germline): Uncertain significance (1 of 4 stars; one submission).

Conditions:
Immunodeficiency. Identifiers: MedGen C0021051, MONDO:0021094, HP:0002721.

Submission:

Labcorp Genetics (formerly Invitae), Labcorp
Classification: Uncertain significance for Immunodeficiency. Last evaluated: 2024-09-02. Review status: criteria provided, single submitter. Criteria: Invitae Variant Classification Sherloc (09022015). Collection method: clinical testing. Allele origin: germline.
Comment: This variant, c.3525_3536dup, results in the insertion of 4 amino acid(s) of the NFAT5 protein (p.Gln1187_Gln1190dup), but otherwise preserves the integrity of the reading frame. This variant is not present in population databases (gnomAD no frequency). This variant has not been reported in the literature in individuals affected with NFAT5-related conditions. In summary, the available evidence is currently insufficient to determine the role of this variant in disease. Therefore, it has been classified as a Variant of Uncertain Significance.